The following is an entry in ClinVar:

NM_015189.3(EXOC6B):c.1372C>T (p.Pro458Ser)

Gene: EXOC6B (exocyst complex component 6B; minus strand). Cytogenetic location: 2p13.2.
Variant type: single nucleotide variant.
Coding change: c.1372C>T on transcript NM_015189.3 (MANE Select); coding-DNA position 1372, C replaced by T.
Protein change: p.Pro458Ser; replaces proline 458 with serine.
Molecular consequence: missense variant. On other transcripts: non-coding transcript variant (2).
Genome position (GRCh38, 1-based): chr2:72,496,525, G>A on the plus strand (C>T on the coding strand, the complement: EXOC6B is on the minus strand). VCF-style: chr2-72496525-G-A. GRCh37 (hg19) VCF-style: chr2-72723654-G-A.
Other names: c.1372C>T, p.Pro458Ser (NM_001321729.2, NM_001321730.2, NM_001321731.2 and 1 more transcripts); c.1033C>T, p.Pro345Ser (NM_001321734.2); short protein forms P345S, P458S.
Identifiers: ClinVar variation 4750935 (VCV004750935.1).
Genomic context (GRCh38, chr2:72,496,525, plus strand): 5'-CTATATCTTGAAATGGGAATTGTCCTACCACCTTTTTGTACATCTCTTCACTTGTTACTG[G>A]TATAGGACTGTAGTTGTCAGAATCAAGTATGTTTCTATAAATGGAAGGATAGACAAAGGG-3'
Protein context (NP_056004.1, residues 448-468): ILDSDNYSPI[Pro458Ser]VTSEEMYKKV

ClinVar aggregate classification (germline): Uncertain significance (1 of 4 stars; one submission).

gnomAD v4.1: 72 of 1,581,344 alleles (0.0046%); highest among the groups gnomAD compares: South Asian, 0.077%; 1 homozygote.

Submission:

Labcorp Genetics (formerly Invitae), Labcorp
Classification: Uncertain significance. Last evaluated: 2025-10-01. Review status: criteria provided, single submitter. Criteria: Invitae Variant Classification Sherloc (09022015). Collection method: clinical testing. Allele origin: germline.
Comment: This sequence change replaces proline, which is neutral and non-polar, with serine, which is neutral and polar, at codon 458 of the EXOC6B protein (p.Pro458Ser). This variant is present in population databases (rs755084255, gnomAD 0.1%), including at least one homozygous and/or hemizygous individual. This variant has not been reported in the literature in individuals affected with EXOC6B-related conditions. Experimental studies and prediction algorithms are not available or were not evaluated, and the functional significance of this variant is currently unknown. In summary, the available evidence is currently insufficient to determine the role of this variant in disease. Therefore, it has been classified as a Variant of Uncertain Significance.